The following is an entry in ClinVar:

NM_080680.3(COL11A2):c.4107G>A (p.Gly1369=)

Gene: COL11A2 (collagen type XI alpha 2 chain; minus strand). Cytogenetic location: 6p21.32.
Variant type: single nucleotide variant.
Coding change: c.4107G>A on transcript NM_080680.3 (MANE Select); coding-DNA position 4107, G replaced by A.
Protein change: p.Gly1369=; no amino-acid change (glycine 1369 retained).
Molecular consequence: synonymous variant.
Genome position (GRCh38, 1-based): chr6:33,167,441, C>T on the plus strand (G>A on the coding strand, the complement: COL11A2 is on the minus strand). VCF-style: chr6-33167441-C-T. GRCh37 (hg19) VCF-style: chr6-33135218-C-T.
Other names: c.3786G>A, p.Gly1262= (NM_080679.3); c.3849G>A, p.Gly1283= (NM_080681.3); c.4107G>A (NM_080680.2).
Identifiers: ClinVar variation 1543984 (VCV001543984.11), dbSNP rs368543321, ClinGen allele CA3750229.

ClinVar aggregate classification (germline): Likely benign. Review status: criteria provided, multiple submitters, no conflicts (2 of 4 stars). 3 submissions from 3 submitters: Likely benign (2). 1 of the submissions does not count toward it. Last evaluated 2026-01-01.

Conditions:
COL11A2-related disorder. Also called: COL11A2-related condition; COL11A2-related disorders.

Allele frequency attached by ClinVar (database versions not stated): gnomAD 0.00006; TOPMed 0.00008; ESP Exome Variant Server 0.00012.
gnomAD v4.1: 43 of 1,612,768 alleles (0.0027%); highest among the groups gnomAD compares: African/African-American, 0.02%; no homozygotes.

Submissions (3):

Labcorp Genetics (formerly Invitae), Labcorp
Classification: Likely benign. Last evaluated: 2026-01-01. Review status: criteria provided, single submitter. Criteria: Invitae Variant Classification Sherloc (09022015). Collection method: clinical testing. Allele origin: germline.

Blueprint Genetics
Classification: Likely benign. Last evaluated: 2023-09-12. Review status: criteria provided, single submitter. Criteria: ACMG Guidelines, 2015. Collection method: clinical testing. Allele origin: germline.

PreventionGenetics, part of Exact Sciences
Classification: Likely benign for COL11A2-related condition. Last evaluated: 2020-01-07. Review status: no assertion criteria provided. Collection method: clinical testing. Allele origin: germline. Not counted in ClinVar's aggregate classification.
Comment: This variant is classified as likely benign based on ACMG/AMP sequence variant interpretation guidelines (Richards et al. 2015 PMID: 25741868, with internal and published modifications).